The following is an entry in ClinVar:

ClinVar aggregate classification (germline): Likely pathogenic (1 of 4 stars; one submission).

Conditions:
DOCK2 deficiency. Also called: Immunodeficiency 40. Identifiers: Orphanet 447737, MedGen C4225328, MONDO:0014637, OMIM 616433.

Submission:

Labcorp Genetics (formerly Invitae), Labcorp
Classification: Likely pathogenic for DOCK2 deficiency. Last evaluated: 2017-05-16. Review status: criteria provided, single submitter. Criteria: Invitae Variant Classification Sherloc (09022015). Collection method: clinical testing. Allele origin: germline.
Comment: Algorithms developed to predict the effect of sequence changes on RNA splicing suggest that this variant may disrupt the consensus splice site, but this prediction has not been confirmed by published transcriptional studies. In summary, the currently available evidence indicates that the variant is pathogenic, but additional data are needed to prove that conclusively. Therefore, this variant has been classified as Likely Pathogenic. Donor and acceptor splice site variants typically lead to a loss of protein function (PMID: 16199547), and loss-of-function variants in DOCK2 are known to be pathogenic (PMID: 26083206). This variant has not been reported in the literature in individuals with a DOCK2-related disease. This variant is not present in population databases (ExAC no frequency). This sequence change affects a donor splice site in intron 5 of the DOCK2 gene. It is expected to disrupt RNA splicing and likely results in an absent or disrupted protein product.

Literature cited by the submitters: PubMed 16199547; PubMed 26083206.

NM_004946.3(DOCK2):c.321+1G>A

Gene: DOCK2 (dedicator of cytokinesis 2; plus strand). Cytogenetic location: 5q35.1.
Variant type: single nucleotide variant.
Coding change: c.321+1G>A on transcript NM_004946.3 (MANE Select); the canonical splice donor site of the intron after coding-DNA position 321, G replaced by A.
Molecular consequence: splice donor variant.
Genome position (GRCh38, 1-based): chr5:169,671,175, G>A. VCF-style: chr5-169671175-G-A. GRCh37 (hg19) VCF-style: chr5-169098179-G-A.
Identifiers: ClinVar variation 565766 (VCV000565766.7), dbSNP rs1561585424, ClinGen allele CA362102463.